The following is an entry in ClinVar:

ClinVar aggregate classification (germline): Conflicting classifications of pathogenicity. Review status: criteria provided, conflicting classifications (1 of 4 stars). 2 submissions from 2 submitters: Uncertain significance (1); Likely benign (1). Last evaluated 2026-07-30.

Conditions:
Hypertrophic cardiomyopathy. Also called: HYPERTROPHIC MYOCARDIOPATHY. Identifiers: Orphanet 217569, MedGen C0007194, MeSH D002312, MONDO:0005045, HP:0001639.
Cardiovascular phenotype. Identifiers: MedGen CN230736.

gnomAD v4.1: 2 of 1,610,054 alleles (0.00012%); highest among the groups gnomAD compares: South Asian, 0.0011%; no homozygotes.

Submissions (2):

Ambry Genetics
Classification: Likely benign for Cardiovascular phenotype. Last evaluated: 2026-07-30. Review status: criteria provided, single submitter. Criteria: Ambry Variant Classification Scheme 2023. Collection method: clinical testing. Allele origin: germline.

Labcorp Genetics (formerly Invitae), Labcorp
Classification: Uncertain significance for Hypertrophic cardiomyopathy. Last evaluated: 2025-10-04. Review status: criteria provided, single submitter. Criteria: Invitae Variant Classification Sherloc (09022015). Collection method: clinical testing. Allele origin: germline.
Comment: This sequence change replaces alanine, which is neutral and non-polar, with threonine, which is neutral and polar, at codon 36 of the MYBPC3 protein (p.Ala36Thr). This variant is not present in population databases (gnomAD no frequency). This variant has not been reported in the literature in individuals affected with MYBPC3-related conditions. ClinVar contains an entry for this variant (Variation ID: 3915211). An algorithm developed to predict the effect of missense changes on protein structure and function (PolyPhen-2) suggests that this variant is likely to be tolerated. In summary, the available evidence is currently insufficient to determine the role of this variant in disease. Therefore, it has been classified as a Variant of Uncertain Significance.

NM_000256.3(MYBPC3):c.106G>A (p.Ala36Thr)

Gene: MYBPC3 (myosin binding protein C3; minus strand). Cytogenetic location: 11p11.2.
Variant type: single nucleotide variant.
Coding change: c.106G>A on transcript NM_000256.3 (MANE Select); coding-DNA position 106, G replaced by A.
Protein change: p.Ala36Thr; replaces alanine 36 with threonine.
Molecular consequence: missense variant.
Genome position (GRCh38, 1-based): chr11:47,351,425, C>T on the plus strand (G>A on the coding strand, the complement: MYBPC3 is on the minus strand). VCF-style: chr11-47351425-C-T. GRCh37 (hg19) VCF-style: chr11-47372976-C-T.
Other names: short protein forms A36T.
Identifiers: ClinVar variation 3915211 (VCV003915211.3).
Genomic context (GRCh38, chr11:47,351,425, plus strand): 5'-CGTACTTGTTGCTGGCGCTGATGTCACTGCCTCCGCGCTGCCAGCGCACCTTCACTCCTG[C>T]CCGCTCTGTCTCGGCCTCGAACACGGCAGGGCTGCCTGCGGCCACTTCCACTGACCGTGG-3'
Protein context (NP_000247.2, residues 26-46): PAVFEAETER[Ala36Thr]GVKVRWQRGG